The following is an entry in ClinVar:

ClinVar aggregate classification (germline): Uncertain significance (1 of 4 stars; one submission).

Conditions:
Ataxia-telangiectasia syndrome (AT). Also called: Ataxia-telangiectasia, complementation group D; AT, COMPLEMENTATION GROUP C; ATAXIA-TELANGIECTASIA, COMPLEMENTATION GROUP A; ATAXIA-TELANGIECTASIA, FRESNO VARIANT; Ataxia-telangiectasia; LOUIS-BAR SYNDROME. Identifiers: Orphanet 100, MedGen C0004135, MONDO:0008840, OMIM 208900.

Submission:

Labcorp Genetics (formerly Invitae), Labcorp
Classification: Uncertain significance for Ataxia-telangiectasia syndrome. Last evaluated: 2018-08-01. Review status: criteria provided, single submitter. Criteria: Invitae Variant Classification Sherloc (09022015). Collection method: clinical testing. Allele origin: germline.
Comment: In summary, the available evidence is currently insufficient to determine the role of this variant in disease. Therefore, it has been classified as a Variant of Uncertain Significance. Algorithms developed to predict the effect of missense changes on protein structure and function are either unavailable or do not agree on the potential impact of this missense change (SIFT: "Tolerated"; PolyPhen-2: "Possibly Damaging"; Align-GVGD: "Class C0"). This variant has not been reported in the literature in individuals with ATM-related disease. This variant is not present in population databases (ExAC no frequency). This sequence change replaces glutamine with histidine at codon 2881 of the ATM protein (p.Gln2881His). The glutamine residue is moderately conserved and there is a small physicochemical difference between glutamine and histidine.

NM_000051.4(ATM):c.8643G>T (p.Gln2881His)

Genes: C11orf65 (chromosome 11 open reading frame 65; minus strand), ATM (ATM serine/threonine kinase; plus strand). Cytogenetic location: 11q22.3.
Variant type: single nucleotide variant.
Coding change: c.8643G>T on transcript NM_000051.4 (MANE Select); coding-DNA position 8643, G replaced by T.
Protein change: p.Gln2881His; replaces glutamine 2881 with histidine.
Molecular consequence: missense variant. On other transcripts: intron variant (2).
Genome position (GRCh38, 1-based): chr11:108,347,337, G>T. VCF-style: chr11-108347337-G-T. GRCh37 (hg19) VCF-style: chr11-108218064-G-T.
Other names: c.8643G>T, p.Gln2881His (NM_001351834.2); c.641-38266C>A (NM_001330368.2); c.695-12045C>A (NM_001351110.2); short protein forms Q2881H.
Identifiers: ClinVar variation 655291 (VCV000655291.9), dbSNP rs1591274305, ClinGen allele CA382520984.
Genomic context (GRCh38, chr11:108,347,337, plus strand): 5'-AGTTGGTTACATACTTGGACTTGGTGATAGACATGTACAGAATATCTTGATAAATGAGCA[G>T]TCAGCAGAACTTGTACATATAGATCTAGGTAAGTAATAAAATCTATGTATCTATTCTTTT-3'
Protein context (NP_000042.3, residues 2871-2891): RHVQNILINE[Gln2881His]SAELVHIDLG